The following is an entry in ClinVar:

ClinVar aggregate classification (germline): Likely benign (1 of 4 stars; one submission).

Conditions:
PLXNA3-related disorder. Also called: PLXNA3-related condition.

gnomAD v4.1: 5 of 1,210,582 alleles (0.00041%); highest among the groups gnomAD compares: Admixed American, 0.0022%; no homozygotes.

Submission:

PreventionGenetics, part of Exact Sciences
Classification: Likely benign for PLXNA3-related condition. Last evaluated: 2025-09-12. Review status: criteria provided, single submitter. Criteria: ACMG Guidelines, 2015. Collection method: clinical testing. Allele origin: germline.
Comment: This variant is classified as likely benign based on ACMG/AMP sequence variant interpretation guidelines (Richards et al. 2015 PMID: 25741868, with internal and published modifications).

NM_017514.5(PLXNA3):c.3150G>A (p.Thr1050=)

Gene: PLXNA3 (plexin A3; plus strand). Cytogenetic location: Xq28.
Variant type: single nucleotide variant.
Coding change: c.3150G>A on transcript NM_017514.5 (MANE Select); coding-DNA position 3150, G replaced by A.
Protein change: p.Thr1050=; no amino-acid change (threonine 1050 retained).
Molecular consequence: synonymous variant.
Genome position (GRCh38, 1-based): chrX:154,467,099, G>A. VCF-style: chrX-154467099-G-A. GRCh37 (hg19) VCF-style: chrX-153695442-G-A.
Identifiers: ClinVar variation 4989367 (VCV004989367.1).
Genomic context (GRCh38, chrX:154,467,099, plus strand): 5'-CCCCTGCCCTGTCCCTAGTGGAAGCACTGCCATCACTGTGAGTGGGACCCACCTGCTGAC[G>A]GTCCAGGAGCCCCGGGTCCGTGCCAAGTACCGCGGCATTGAGACCACCAATGTGAGTACC-3'
Protein context (NP_059984.3, residues 1040-1060): AITVSGTHLL[Thr1050=]VQEPRVRAKY